The following is an entry in ClinVar:

ClinVar aggregate classification (germline): Pathogenic (1 of 4 stars; one submission).

Conditions:
Familial dysautonomia. Also called: HSAN III; FD. Identifiers: Orphanet 1764, MedGen C0013364, MONDO:0009131, OMIM 223900. Disease mechanism: loss of function.

Submission:

Myriad Genetics, Inc.
Classification: Pathogenic for Familial dysautonomia. Last evaluated: 2025-07-15. Review status: criteria provided, single submitter. Criteria: Myriad Autosomal Dominant, Autosomal Recessive and X-Linked Classification Criteria (2023). Collection method: clinical testing. Allele origin: unknown.
Comment: NM_003640.3(ELP1):c.3802delA(R1268Gfs*20) is a frameshift variant classified as pathogenic in the context of familial dysautonomia. R1268Gfs*20 has not been observed in cases with relevant disease. Relevant functional assessments of this variant are not available in the literature. R1268Gfs*20 has not been observed in referenced population frequency databases. In summary, NM_003640.3(ELP1):c.3802delA(R1268Gfs*20) is a frameshift variant in a gene where loss of function is a known mechanism of disease and is predicted to disrupt protein function. Please note: this variant was assessed in the context of healthy population screening.

NM_003640.5(ELP1):c.3802del (p.Arg1268fs)

Gene: ELP1 (elongator acetyltransferase complex subunit 1; minus strand). Cytogenetic location: 9q31.3.
Variant type: Deletion.
Coding change: c.3802del on transcript NM_003640.5 (MANE Select); coding-DNA position 3802, one base deleted (A; older notation c.3802delA).
Protein change: p.Arg1268fs; shifts the reading frame from arginine 1268.
Molecular consequence: frameshift variant.
Genome position (GRCh38, 1-based): chr9:108,878,048, T deleted on the plus strand (A on the coding strand, the reverse complement: ELP1 is on the minus strand); the first of 3 consecutive T bases (chr9:108,878,048-108,878,050); deleting any one gives the same sequence. VCF-style (leftmost placement, unchanged base first): chr9-108878047-CT-C. GRCh37 (hg19) VCF-style: chr9-111640327-CT-C.
Other names: c.3460del, p.Arg1154fs (NM_001318360.2); c.2755del, p.Arg919fs (NM_001330749.2); short protein forms R1154fs, R1268fs, R919fs.
Identifiers: ClinVar variation 4081646 (VCV004081646.1).